The following is an entry in ClinVar:

NM_016203.4(PRKAG2):c.466+45210C>T

Gene: PRKAG2 (protein kinase AMP-activated non-catalytic subunit gamma 2; minus strand). Cytogenetic location: 7q36.1.
Variant type: single nucleotide variant.
Coding change: c.466+45210C>T on transcript NM_016203.4 (MANE Select); 45210 bases into the intron after coding-DNA position 466, C replaced by T.
Molecular consequence: intron variant. On other transcripts: nonsense (5), 5 prime UTR variant (1).
Genome position (GRCh38, 1-based): chr7:151,735,942, G>A on the plus strand (C>T on the coding strand, the complement: PRKAG2 is on the minus strand). VCF-style: chr7-151735942-G-A. GRCh37 (hg19) VCF-style: chr7-151433028-G-A.
Other names: c.52C>T, p.Arg18Ter (NM_001304527.2, NM_001363698.2, NM_001407028.1 and 2 more transcripts); c.-31C>T (NM_001407038.1); c.466+45210C>T (NM_001407031.1, NM_001407030.1, NM_001407023.1 and 2 more transcripts); c.149-60305C>T (NM_001407032.1); c.334+45210C>T (NM_001407026.1, NM_001040633.2, NM_001407027.1 and 1 more transcripts); c.360+45184C>T (NM_001407033.1); short protein forms R18*.
Identifiers: ClinVar variation 4686178 (VCV004686178.1).
Genomic context (GRCh38, chr7:151,735,942, plus strand): 5'-GAATGGGCAGAGTCCTACCGAAAAGGCCATGAGGCTCCGACTGGCGCCTCTCCGTGCTTC[G>A]ATTTTGGTCCTTGTGTTTCTTGTTGCTCCTGAGGCTCCCAAAGCGCTTCATGGGTAGCTG-3'

ClinVar aggregate classification (germline): Uncertain significance (1 of 4 stars; one submission).

gnomAD v4.1: 14 of 1,536,226 alleles (0.00091%); highest among the groups gnomAD compares: East Asian, 0.0098%; no homozygotes.

Submission:

GeneDx
Classification: Uncertain significance. Last evaluated: 2025-07-15. Review status: criteria provided, single submitter. Criteria: GeneDx Variant Classification Process June 2021. Collection method: clinical testing. Allele origin: germline. Affected: yes.
Comment: Not observed at significant frequency in large population cohorts (gnomAD); Has not been previously published as pathogenic or benign to our knowledge; Reported using an alternate transcript of the gene; Nonsense variant predicted to result in protein truncation or nonsense mediated decay in a gene for which loss-of-function is not an established mechanism of disease